The following is an entry in ClinVar:

NM_001080517.3(SETD5):c.3195dup (p.Val1066fs)

Gene: SETD5 (SET domain containing 5; plus strand). Cytogenetic location: 3p25.3.
Variant type: Duplication.
Coding change: c.3195dup on transcript NM_001080517.3 (MANE Select); coding-DNA position 3195, one base duplicated (A; older notation c.3195dupA).
Protein change: p.Val1066fs; shifts the reading frame from valine 1066.
Molecular consequence: frameshift variant.
Genome position (GRCh38, 1-based): chr3:9,470,929, A duplicated; the last of 6 consecutive A bases (chr3:9,470,924-9,470,929); duplicating any one gives the same sequence. VCF-style (leftmost placement, unchanged base first): chr3-9470923-G-GA. GRCh37 (hg19) VCF-style: chr3-9512607-G-GA.
Other names: c.3234dup, p.Val1079fs (NM_001437701.1); c.2901dup, p.Val968fs (NM_001292043.2, NM_001349451.2); c.3291dup, p.Val1098fs (NM_001437633.1); c.3309dup, p.Val1104fs (NM_001437635.1); c.3252dup, p.Val1085fs (NM_001437643.1); short protein forms V1066fs, V1079fs, V1085fs, V1098fs, V1104fs, V968fs.
Identifiers: ClinVar variation 4292454 (VCV004292454.1).

ClinVar aggregate classification (germline): Likely pathogenic (1 of 4 stars; one submission).

Conditions:
Intellectual disability-facial dysmorphism syndrome due to SETD5 haploinsufficiency (MRD23). Also called: Intellectual developmental disorder, autosomal dominant 23. Identifiers: Orphanet 404440, MedGen C3810406, MONDO:0014336, OMIM 615761.

Submission:

3billion
Classification: Likely pathogenic for Intellectual disability-facial dysmorphism syndrome due to SETD5 haploinsufficiency. Last evaluated: 2024-12-30. Review status: criteria provided, single submitter. Criteria: ACMG Guidelines, 2015. Collection method: clinical testing. Allele origin: germline. Affected: yes.
Comment: The variant is not observed in the gnomAD v4.1.0 dataset. Predicted Consequence/Location: Frameshift: predicted to result in a loss or disruption of normal protein function through nonsense-mediated decay (NMD) or protein truncation. Multiple pathogenic variants are reported downstream of the variant. Therefore, this variant is classified as Likely pathogenic according to the recommendation of ACMG/AMP guideline.